The following is an entry in ClinVar:

NM_022124.6(CDH23):c.2005C>T (p.Pro669Ser)

Gene: CDH23 (cadherin related 23; plus strand). Cytogenetic location: 10q22.1.
Variant type: single nucleotide variant.
Coding change: c.2005C>T on transcript NM_022124.6 (MANE Select); coding-DNA position 2005, C replaced by T.
Protein change: p.Pro669Ser; replaces proline 669 with serine.
Molecular consequence: missense variant.
Genome position (GRCh38, 1-based): chr10:71,687,665, C>T. VCF-style: chr10-71687665-C-T. GRCh37 (hg19) VCF-style: chr10-73447422-C-T.
Other names: c.2005C>T, p.Pro669Ser (NM_001171930.2, NM_001171931.2); short protein forms P669S.
Identifiers: ClinVar variation 3898934 (VCV003898934.1).

ClinVar aggregate classification (germline): Uncertain significance (1 of 4 stars; one submission).

Submission:

GeneDx
Classification: Uncertain significance. Last evaluated: 2024-11-11. Review status: criteria provided, single submitter. Criteria: GeneDx Variant Classification Process June 2021. Collection method: clinical testing. Allele origin: germline. Affected: yes.
Comment: Not observed at significant frequency in large population cohorts (gnomAD); In silico analysis supports that this missense variant has a deleterious effect on protein structure/function; This variant is associated with the following publications: (PMID: 35682719)